The following is an entry in ClinVar:

ClinVar aggregate classification (germline): Uncertain significance (1 of 4 stars; one submission).

gnomAD v4.1: 2 of 1,614,132 alleles (0.00012%); highest among the groups gnomAD compares: Non-Finnish European, 0.00017%; no homozygotes.

Submission:

GeneDx
Classification: Uncertain significance. Last evaluated: 2025-02-24. Review status: criteria provided, single submitter. Criteria: GeneDx Variant Classification Process June 2021. Collection method: clinical testing. Allele origin: germline. Affected: yes.
Comment: Not observed at significant frequency in large population cohorts (gnomAD); Canonical splice site variant with an unclear effect on protein function; Has not been previously published as pathogenic or benign to our knowledge; Reported using an alternate transcript of the gene (NM_153676.2)

NM_153676.4(USH1C):c.1261-1G>C

Gene: USH1C (USH1 protein network component harmonin; minus strand). Cytogenetic location: 11p15.1.
Variant type: single nucleotide variant.
Coding change: c.1261-1G>C on transcript NM_153676.4 (MANE Select); the canonical splice acceptor site of the intron before coding-DNA position 1261, G replaced by C.
Molecular consequence: splice acceptor variant. On other transcripts: intron variant (8).
Genome position (GRCh38, 1-based): chr11:17,512,055, C>G on the plus strand (G>C on the coding strand, the complement: USH1C is on the minus strand). VCF-style: chr11-17512055-C-G. GRCh37 (hg19) VCF-style: chr11-17533602-C-G.
Other names: c.1227+5346G>C (NM_001297764.2); c.1210+8815G>C (NM_001440687.1); c.1261-1G>C (NM_001440681.1); c.1284+5346G>C (NM_001440685.1, NM_005709.4, NM_001440682.1 and 1 more transcripts); c.1285-1G>C (NM_001440680.1); c.1260+5346G>C (NM_001440686.1); c.1317+5346G>C (NM_001440684.1); c.1318-1G>C (NM_001440679.1).
Identifiers: ClinVar variation 4076728 (VCV004076728.1).